The following is an entry in ClinVar:

ClinVar aggregate classification (germline): Benign/Likely benign. Review status: criteria provided, multiple submitters, no conflicts (2 of 4 stars). 2 submissions from 2 submitters: Benign (1); Likely benign (1). Last evaluated 2026-01-11.

Allele frequency attached by ClinVar (database versions not stated): gnomAD 0.00001; TOPMed 0.00001; gnomAD exomes 0.00002; ExAC 0.00005.
gnomAD v4.1: 25 of 1,613,160 alleles (0.0015%); highest among the groups gnomAD compares: Middle Eastern, 0.033%; no homozygotes.

Submissions (2):

Labcorp Genetics (formerly Invitae), Labcorp
Classification: Benign. Last evaluated: 2026-01-11. Review status: criteria provided, single submitter. Criteria: Invitae Variant Classification Sherloc (09022015). Collection method: clinical testing. Allele origin: germline.

CeGaT Center for Human Genetics Tuebingen
Classification: Likely benign. Last evaluated: 2024-11-01. Review status: criteria provided, single submitter. Criteria: CeGaT Center For Human Genetics Tuebingen Variant Classification Criteria Version 2. Collection method: clinical testing. Allele origin: germline. Affected: yes. Observed: 1 variant allele.
Comment: KMT2B: BP4, BP7

NM_014727.3(KMT2B):c.612A>G (p.Gln204=)

Gene: KMT2B (lysine methyltransferase 2B; plus strand). Cytogenetic location: 19q13.12.
Variant type: single nucleotide variant.
Coding change: c.612A>G on transcript NM_014727.3 (MANE Select); coding-DNA position 612, A replaced by G.
Protein change: p.Gln204=; no amino-acid change (glutamine 204 retained).
Molecular consequence: synonymous variant.
Genome position (GRCh38, 1-based): chr19:35,719,959, A>G. VCF-style: chr19-35719959-A-G. GRCh37 (hg19) VCF-style: chr19-36210861-A-G.
Identifiers: ClinVar variation 2039323 (VCV002039323.18), dbSNP rs746360804, ClinGen allele CA9384074.